The following is an entry in ClinVar:

NM_000178.4(GSS):c.373C>T (p.Arg125Cys)

Gene: GSS (glutathione synthetase; minus strand). Cytogenetic location: 20q11.22.
Variant type: single nucleotide variant.
Coding change: c.373C>T on transcript NM_000178.4 (MANE Select); coding-DNA position 373, C replaced by T.
Protein change: p.Arg125Cys; replaces arginine 125 with cysteine.
Molecular consequence: missense variant.
Genome position (GRCh38, 1-based): chr20:34,942,606, G>A on the plus strand (C>T on the coding strand, the complement: GSS is on the minus strand). VCF-style: chr20-34942606-G-A. GRCh37 (hg19) VCF-style: chr20-33530409-G-A.
Other names: c.373C>T, p.Arg125Cys (LRG_1168t1, NM_001322494.1, NM_001322495.1); short protein forms R125C.
Identifiers: ClinVar variation 8529 (VCV000008529.11), dbSNP rs28936396, ClinGen allele CA119694.
Genomic context (GRCh38, chr20:34,942,606, plus strand): 5'-TTTCGATCTGTTTCAGGGCTGGGGAGCCATCTGCGCTGCGCTGGAACATGTAGTCTGAGC[G>A]ATTCAGGCCCAGGAACACAGTCTGTGGGGAAAACTGAAGGCTGACAGTACCTGCCCAGGG-3'
Protein context (NP_000169.1, residues 115-135): IAQTVFLGLN[Arg125Cys]SDYMFQRSAD

ClinVar aggregate classification (germline): Pathogenic/Likely pathogenic. Review status: criteria provided, multiple submitters, no conflicts (2 of 4 stars). 5 submissions from 5 submitters: Pathogenic (2); Likely pathogenic (2). 1 of the submissions does not count toward it. Last evaluated 2026-01-28.

Conditions:
Glutathione synthetase deficiency with 5-oxoprolinuria. Also called: Reduced glutathione synthetase level; 5-Oxoprolinuria; 5-OXOPROLINURIA DUE TO GLUTATHIONE SYNTHETASE DEFICIENCY; Gluthathione synthetase deficiency; PYROGLUTAMIC ACIDURIA. Identifiers: Orphanet 289846, MedGen C0398746, MONDO:0009947, OMIM 266130, HP:0003343.
Glutathione synthetase deficiency without 5-oxoprolinuria. Also called: ANEMIA, CONGENITAL, NONSPHEROCYTIC HEMOLYTIC, 6. Identifiers: Orphanet 289849, Orphanet 32, MedGen C1856399, MONDO:0009284, OMIM 231900.

Allele frequency attached by ClinVar (database versions not stated): ExAC 0.00007; TOPMed 0.00025; gnomAD 0.00024 and 0.00029; gnomAD exomes 0.00002 and 0.00005.
gnomAD v4.1: 67 of 1,613,906 alleles (0.0042%); highest among the groups gnomAD compares: African/African-American, 0.075%; no homozygotes.

Submissions (5):

Labcorp Genetics (formerly Invitae), Labcorp
Classification: Pathogenic for Glutathione synthetase deficiency with 5-oxoprolinuria. Last evaluated: 2026-01-28. Review status: criteria provided, single submitter. Criteria: Invitae Variant Classification Sherloc (09022015). Collection method: clinical testing. Allele origin: germline.
Comment: This sequence change replaces arginine, which is basic and polar, with cysteine, which is neutral and slightly polar, at codon 125 of the GSS protein (p.Arg125Cys). This variant is present in population databases (rs28936396, gnomAD 0.09%). This missense change has been observed in individual(s) with glutathione synthetase deficiency (PMID: 8896573, 11445798). In at least one individual the data is consistent with being in trans (on the opposite chromosome) from a pathogenic variant. ClinVar contains an entry for this variant (Variation ID: 8529). Invitae Evidence Modeling of protein sequence and biophysical properties (such as structural, functional, and spatial information, amino acid conservation, physicochemical variation, residue mobility, and thermodynamic stability) indicates that this missense variant is expected to disrupt GSS protein function with a positive predictive value of 80%. Experimental studies have shown that this missense change affects GSS function (PMID: 8896573, 10861239). This variant disrupts the p.Arg125 amino acid residue in GSS. Other variant(s) that disrupt this residue have been determined to be pathogenic (PMID: 15717202, 26669244, 28267090). This suggests that this residue is clinically significant, and that variants that disrupt this residue are likely to be disease-causing. For these reasons, this variant has been classified as Pathogenic.

Women's Health and Genetics/Laboratory Corporation of America, LabCorp
Classification: Pathogenic for Glutathione synthetase deficiency with 5-oxoprolinuria. Last evaluated: 2025-05-02. Review status: criteria provided, single submitter. Criteria: LabCorp Variant Classification Summary - May 2015. Collection method: clinical testing. Allele origin: germline.
Comment: Variant summary: GSS c.373C>T (p.Arg125Cys) results in a non-conservative amino acid change in the encoded protein sequence. Algorithms developed to predict the effect of missense changes on protein structure and function all suggest that this variant is likely to be disruptive. The variant allele was found at a frequency of 5.2e-05 in 251436 control chromosomes. This frequency is not significantly higher than estimated for a pathogenic variant in GSS causing Glutathione Synthetase Deficiency (5.2e-05 vs 0.003), allowing no conclusion about variant significance. c.373C>T has been reported in the literature in individuals affected with Glutathione Synthetase Deficiency (examples: Shi_1996 and Firas Alqarajeh_2020 ). These data indicate that the variant may be associated with disease. Multiple reports have provided experimental evidence evaluating an impact on protein function. The most pronounced variant effect results in <10% of normal activity (examples: Shi_1996 and Njalsson_2000). In addition, another missense variant in the same residue (p.Arg125His) is associated with Glutathione synthetase deficiency (PMID 28267090). The following publications have been ascertained in the context of this evaluation (PMID: 8896573, 10861239). ClinVar contains an entry for this variant (Variation ID: 8529). Based on the evidence outlined above, the variant was classified as pathogenic.

Fulgent Genetics
Classification: Likely pathogenic for Glutathione synthetase deficiency without 5-oxoprolinuria; Glutathione synthetase deficiency with 5-oxoprolinuria. Last evaluated: 2024-02-14. Review status: criteria provided, single submitter. Criteria: ACMG Guidelines, 2015. Collection method: clinical testing. Allele origin: germline.

Revvity Omics, Revvity
Classification: Likely pathogenic. Last evaluated: 2023-05-04. Review status: criteria provided, single submitter. Criteria: ACMG Guidelines, 2015. Collection method: clinical testing. Allele origin: germline.

OMIM
Classification: Pathogenic for GLUTATHIONE SYNTHETASE DEFICIENCY. Last evaluated: 1996-11-01. Review status: no assertion criteria provided. Collection method: literature only. Allele origin: germline. Not counted in ClinVar's aggregate classification.

Literature cited by the submitters: PubMed 8896573 (cited by 3 submitters); PubMed 11445798 (cited by Labcorp Genetics (formerly Invitae), Labcorp); PubMed 10861239 (cited by Labcorp Genetics (formerly Invitae), Labcorp and Women's Health and Genetics/Laboratory Corporation of America, LabCorp); PubMed 15717202 (cited by Labcorp Genetics (formerly Invitae), Labcorp); PubMed 26669244 (cited by Labcorp Genetics (formerly Invitae), Labcorp); PubMed 28267090 (cited by Labcorp Genetics (formerly Invitae), Labcorp).